The following is an entry in ClinVar:

NM_005535.3(IL12RB1):c.1422T>A (p.Cys474Ter)

Gene: IL12RB1 (interleukin 12 receptor subunit beta 1; minus strand). Cytogenetic location: 19p13.11.
Variant type: single nucleotide variant.
Coding change: c.1422T>A on transcript NM_005535.3 (MANE Select); coding-DNA position 1422, T replaced by A.
Protein change: p.Cys474Ter; replaces cysteine 474 with a stop codon.
Molecular consequence: nonsense.
Genome position (GRCh38, 1-based): chr19:18,066,603, A>T on the plus strand (T>A on the coding strand, the complement: IL12RB1 is on the minus strand). VCF-style: chr19-18066603-A-T. GRCh37 (hg19) VCF-style: chr19-18177413-A-T.
Other names: c.1422T>A, p.Cys474Ter (NM_001290023.2); c.1542T>A, p.Cys514Ter (NM_001290024.2); c.1443T>A, p.Cys481Ter (NM_001440424.1, NM_001440425.1); short protein forms C481*, C514*, C474*.
Identifiers: ClinVar variation 4730493 (VCV004730493.1).

ClinVar aggregate classification (germline): Pathogenic (1 of 4 stars; one submission).

Conditions:
Mendelian susceptibility to mycobacterial diseases due to complete IL12RB1 deficiency. Also called: IL12RB1 DEFICIENCY; Immunodeficiency 30. Identifiers: Orphanet 319552, MedGen C4013949, MONDO:0013955, OMIM 614891.

Submission:

Labcorp Genetics (formerly Invitae), Labcorp
Classification: Pathogenic for Mendelian susceptibility to mycobacterial diseases due to complete IL12RB1 deficiency. Last evaluated: 2025-11-04. Review status: criteria provided, single submitter. Criteria: Invitae Variant Classification Sherloc (09022015). Collection method: clinical testing. Allele origin: germline.
Comment: This sequence change creates a premature translational stop signal (p.Cys474*) in the IL12RB1 gene. It is expected to result in an absent or disrupted protein product. Loss-of-function variants in IL12RB1 are known to be pathogenic (PMID: 9603733, 12591909). This variant is not present in population databases (gnomAD no frequency). This variant has not been reported in the literature in individuals affected with IL12RB1-related conditions. For these reasons, this variant has been classified as Pathogenic.

Literature cited by the submitters: PubMed 9603733; PubMed 12591909.